The following is an entry in ClinVar:

ClinVar aggregate classification (germline): Conflicting classifications of pathogenicity. Review status: criteria provided, conflicting classifications (1 of 4 stars). 4 submissions from 4 submitters: Uncertain significance (1); Likely benign (3). Last evaluated 2022-12-01.

Conditions:
Familial adenomatous polyposis 1 (FAP1). Also called: FAMILIAL ADENOMATOUS POLYPOSIS 1, ATTENUATED; POLYPOSIS, ADENOMATOUS INTESTINAL. Identifiers: MedGen C2713442, MONDO:0021056, OMIM 175100. Disease mechanism: loss of function.
Hereditary cancer-predisposing syndrome. Also called: Tumor predisposition; Hereditary Cancer Syndrome; Hereditary neoplastic syndrome; Neoplastic Syndromes, Hereditary. Identifiers: Orphanet 140162, MedGen C0027672, MeSH D009386, MONDO:0015356.

Allele frequency attached by ClinVar (database versions not stated): TOPMed below 0.00001.

Submissions (4):

Labcorp Genetics (formerly Invitae), Labcorp
Classification: Uncertain significance for Familial adenomatous polyposis 1. Last evaluated: 2022-12-01. Review status: criteria provided, single submitter. Criteria: Invitae Variant Classification Sherloc (09022015). Collection method: clinical testing. Allele origin: germline.
Comment: In summary, the available evidence is currently insufficient to determine the role of this variant in disease. Therefore, it has been classified as a Variant of Uncertain Significance. Variants that disrupt the consensus splice site are a relatively common cause of aberrant splicing (PMID: 17576681, 9536098). Algorithms developed to predict the effect of sequence changes on RNA splicing suggest that this variant is not likely to affect RNA splicing. ClinVar contains an entry for this variant (Variation ID: 411538). This variant has not been reported in the literature in individuals affected with APC-related conditions. This variant is not present in population databases (gnomAD no frequency). This sequence change falls in intron 2 of the APC gene. It does not directly change the encoded amino acid sequence of the APC protein. It affects a nucleotide within the consensus splice site.

Ambry Genetics
Classification: Likely benign for Hereditary cancer-predisposing syndrome. Last evaluated: 2021-10-26. Review status: criteria provided, single submitter. Criteria: Ambry Variant Classification Scheme 2023. Collection method: clinical testing. Allele origin: germline.

Color Diagnostics, LLC DBA Color Health
Classification: Likely benign for Hereditary cancer-predisposing syndrome. Last evaluated: 2020-01-13. Review status: criteria provided, single submitter. Criteria: ACMG Guidelines, 2015. Collection method: clinical testing. Allele origin: germline.

GeneDx
Classification: Likely benign. Last evaluated: 2019-12-13. Review status: criteria provided, single submitter. Criteria: GeneDx Variant Classification Process June 2021. Collection method: clinical testing. Allele origin: germline. Affected: yes.

Literature cited by the submitters: PubMed 17576681 (cited by Labcorp Genetics (formerly Invitae), Labcorp); PubMed 9536098 (cited by Labcorp Genetics (formerly Invitae), Labcorp).

NM_000038.6(APC):c.136-3C>T

Gene: APC (APC regulator of Wnt signaling pathway; plus strand). Cytogenetic location: 5q22.2.
Variant type: single nucleotide variant.
Coding change: c.136-3C>T on transcript NM_000038.6 (MANE Select); 3 bases into the intron before coding-DNA position 136, C replaced by T.
Molecular consequence: intron variant.
Genome position (GRCh38, 1-based): chr5:112,766,323, C>T. VCF-style: chr5-112766323-C-T. GRCh37 (hg19) VCF-style: chr5-112102020-C-T.
Other names: c.136-3C>T (NM_001354895.2, NM_001127510.3, NM_001354896.2 and 2 more transcripts); c.166-3C>T (NM_001354897.2, NM_001354902.2, NM_001127511.3); c.61-3C>T (NM_001354898.2, NM_001354904.2); c.-900-3C>T (NM_001354906.2); c.-42-3C>T (NM_001354900.2, NM_001354901.2, NM_001354905.2).
Identifiers: ClinVar variation 411538 (VCV000411538.17), dbSNP rs1060503361, ClinGen allele CA16611599.